The following is an entry in ClinVar:

NM_000138.5(FBN1):c.1634G>A (p.Arg545His)

Gene: FBN1 (fibrillin 1; minus strand). Cytogenetic location: 15q21.1.
Variant type: single nucleotide variant.
Coding change: c.1634G>A on transcript NM_000138.5 (MANE Select); coding-DNA position 1634, G replaced by A.
Protein change: p.Arg545His; replaces arginine 545 with histidine.
Molecular consequence: missense variant.
Genome position (GRCh38, 1-based): chr15:48,510,124, C>T on the plus strand (G>A on the coding strand, the complement: FBN1 is on the minus strand). VCF-style: chr15-48510124-C-T. GRCh37 (hg19) VCF-style: chr15-48802321-C-T.
Other names: NM_000138.5(FBN1):c.1634G>A; short protein forms R545H.
Identifiers: ClinVar variation 36034 (VCV000036034.51), dbSNP rs193922179, ClinGen allele CA012355.

ClinVar aggregate classification (germline): Uncertain significance. Review status: reviewed by expert panel (3 of 4 stars). 8 submissions from 8 submitters: Uncertain significance (1). 7 of the submissions do not count toward it. Last evaluated 2024-05-23.

Conditions:
Familial thoracic aortic aneurysm and aortic dissection (TAAD). Also called: Thoracic aortic aneurysms and dissections. Identifiers: Orphanet 91387, MedGen C4707243, MONDO:0019625.
Marfan syndrome (MFS). Also called: MARFAN SYNDROME, TYPE I; Marfan syndrome type 1; Marfan's syndrome; Marfan syndrome, classic; FBN1-Related Marfan Syndrome. Identifiers: Orphanet 284963, Orphanet 558, MedGen C0024796, MONDO:0007947, OMIM 154700.
Weill-Marchesani syndrome 2, dominant. Also called: FBN1-Related Weill-Marchesani Syndrome; Weill-Marchesani Syndrome, Autosomal Dominant. Identifiers: Orphanet 2084, MedGen C1869115, MONDO:0012013, OMIM 608328.

Allele frequency attached by ClinVar (database versions not stated): TOPMed below 0.00001; gnomAD 0.00001.
gnomAD v4.1: 4 of 1,613,066 alleles (0.00025%); highest among the groups gnomAD compares: African/African-American, 0.0013%; no homozygotes.

Submissions (8):

ClinGen FBN1 Variant Curation Expert Panel, ClinGen
Classification: Uncertain significance for Marfan syndrome. Last evaluated: 2024-05-23. Review status: reviewed by expert panel. Criteria: Assertion Criteria VCEP FBN1 Version 1. Collection method: curation. Allele origin: germline. Inheritance: Autosomal dominant inheritance.
Comment: The NM_00138 c.1634G>A is a missense variant in FBN1 predicted to cause a substitution of an arginine by histidine at amino acid 545 (p.Arg545His) located within a cbEGF-like domain of the protein. This variant has been reported seven times in ClinVar: once as likely pathogenic, and six times as uncertain significance (Variation ID: 36034). This variant has been identified in 1/15428 (0.006%) individuals of European (non-Finnish) origin (v2.1.1). A different missense variant at this position, c.1634G>C (p.Arg545Pro), has previously been reported in an individual with ectopia lentis and in an individual with thoracic aortic aneurysm (PMID 31730815, internal lab data). A cysteine-creating variant at this position, c.1633C>T (p.Arg545Cys), has been previously established as pathogenic and was reported in several individuals with MFS or ectopia lentis (PMID 25053872, 15241795, 27611364, 27353645, 19159394 , 12446365, 17679947, 20564469, internal lab data). Computational prediction tools and conservation analysis suggest that this variant may impact the protein (REVEL: 0.764, PP3). The constraint z-score for missense variants affecting FBN1 is 5.06 (PP2). Due to insufficient evidence, this variant is classified as uncertain significance for Marfan syndrome based on the ACMG/AMP criteria applied, as specified by the ClinGen FBN1 VCEP: PP2, PP3.

Labcorp Genetics (formerly Invitae), Labcorp
Classification: Uncertain significance for Marfan syndrome; Familial thoracic aortic aneurysm and aortic dissection. Last evaluated: 2025-03-30. Review status: criteria provided, single submitter. Criteria: Invitae Variant Classification Sherloc (09022015). Collection method: clinical testing. Allele origin: germline. Not counted in ClinVar's aggregate classification.
Comment: This sequence change replaces arginine, which is basic and polar, with histidine, which is basic and polar, at codon 545 of the FBN1 protein (p.Arg545His). This variant is present in population databases (rs193922179, gnomAD 0.007%). This variant has not been reported in the literature in individuals affected with FBN1-related conditions. ClinVar contains an entry for this variant (Variation ID: 36034). Invitae Evidence Modeling of protein sequence and biophysical properties (such as structural, functional, and spatial information, amino acid conservation, physicochemical variation, residue mobility, and thermodynamic stability) indicates that this missense variant is expected to disrupt FBN1 protein function with a positive predictive value of 95%. In summary, the available evidence is currently insufficient to determine the role of this variant in disease. Therefore, it has been classified as a Variant of Uncertain Significance.

GeneDx
Classification: Uncertain significance. Last evaluated: 2025-03-27. Review status: criteria provided, single submitter. Criteria: GeneDx Variant Classification Process June 2021. Collection method: clinical testing. Allele origin: germline. Affected: yes. Not counted in ClinVar's aggregate classification.
Comment: Reported previously as an unclassified variant in a review of variants listed in FBN1 databases; additional case details were not available for review (PMID: 27906200); Not observed at significant frequency in large population cohorts (gnomAD); In silico analysis supports that this missense variant has a deleterious effect on protein structure/function; Does not affect a cysteine or calcium-binding residue within an EGF-like domain or a TGF-binding protein domain of the FBN1 gene; cysteine substitutions in the EGF-like domains represent the majority of pathogenic missense changes associated with FBN1-related disorders (PMID: 12938084); This variant is associated with the following publications: (PMID: 12938084, 27906200)

Dasa
Classification: Uncertain significance for Marfan syndrome. Last evaluated: 2025-03-06. Review status: criteria provided, single submitter. Criteria: ACMG Guidelines, 2015. Collection method: clinical testing. Allele origin: germline. Inheritance: Autosomal dominant inheritance. Affected: yes. Observed: 1 variant allele. Not counted in ClinVar's aggregate classification.
Comment: NM_000138.5(FBN1):c.1634G>A (p.Arg545His) is a rare missense variant located in a calcium‑binding EGF‑like domain of fibrillin‑1. It is present at very low frequency in population databases and has been reported in ClinVar predominantly as a variant of uncertain significance, including by the ClinGen FBN1 Expert Panel. Other missense changes at the same residue have been reported in individuals with FBN1‑related phenotypes, and a cysteine‑creating variant at this position is established as pathogenic. Computational and conservation analyses suggest a potential impact on protein function. Overall, the available evidence is limited and does not allow a definitive association with disease at this time; therefore, the clinical significance of this variant remains uncertain.

Women's Health and Genetics/Laboratory Corporation of America, LabCorp
Classification: Uncertain significance. Last evaluated: 2023-11-27. Review status: criteria provided, single submitter. Criteria: LabCorp Variant Classification Summary - May 2015. Collection method: clinical testing. Allele origin: germline. Not counted in ClinVar's aggregate classification.
Comment: Variant summary: FBN1 c.1634G>A (p.Arg545His) results in a non-conservative amino acid change in the encoded protein sequence, altering a well-conserved residue (HGMD) in which another missense change (p.Arg545Cys) is classified as pathogenic. Five of five in-silico tools predict a damaging effect of the variant on protein function. The variant was absent in 251276 control chromosomes (gnomAD). To our knowledge, no occurrence of c.1634G>A in individuals affected with Marfan Syndrome and no experimental evidence demonstrating its impact on protein function have been reported. Six submitters have cited clinical-significance assessments for this variant to ClinVar after 2014, and classified it as uncertain significance (n=5) or likely pathogenic (n=1). Based on the evidence outlined above, the variant was classified as VUS-possibly pathogenic.

Laboratory of Molecular and Physiopathological Bases of Osteochondrodysplasia, Imagine Institute
Classification: Uncertain significance for Weill-Marchesani syndrome 2, dominant. Last evaluated: 2023-04-21. Review status: criteria provided, single submitter. Criteria: ACMG Guidelines, 2015. Collection method: clinical testing. Allele origin: de novo. Inheritance: Autosomal recessive inheritance. Affected: yes. Not counted in ClinVar's aggregate classification.

CeGaT Center for Human Genetics Tuebingen
Classification: Uncertain significance. Last evaluated: 2023-04-01. Review status: criteria provided, single submitter. Criteria: CeGaT Center For Human Genetics Tuebingen Variant Classification Criteria Version 2. Collection method: clinical testing. Allele origin: germline. Affected: yes. Observed: 1 variant allele. Not counted in ClinVar's aggregate classification.
Comment: FBN1: PM5, PM2:Supporting, PP2

Mayo Clinic Laboratories, Mayo Clinic
Classification: Uncertain significance. Last evaluated: 2020-05-27. Review status: criteria provided, single submitter. Criteria: ACMG Guidelines, 2015. Collection method: clinical testing. Allele origin: germline. Observed: 1 variant allele. Not counted in ClinVar's aggregate classification.